The following is an entry in ClinVar:

ClinVar aggregate classification (germline): Pathogenic. Review status: criteria provided, multiple submitters, no conflicts (2 of 4 stars). 6 submissions from 6 submitters: Pathogenic (5). 1 of the submissions does not count toward it. Last evaluated 2024-10-25.

Conditions:
BETHLEM MYOPATHY 1B, AUTOSOMAL RECESSIVE.
Bethlem myopathy 1A. Also called: MYOPATHY, BENIGN CONGENITAL, WITH CONTRACTURES; Bethlem Muscular Dystrophy; Bethlem myopathy 1. Identifiers: Orphanet 610, MedGen CN029274, MONDO:0024530, OMIM 158810.

Allele frequency attached by ClinVar (database versions not stated): gnomAD exomes below 0.00001.
gnomAD v4.1: 21 of 1,612,836 alleles (0.0013%); highest among the groups gnomAD compares: Non-Finnish European, 0.0015%; no homozygotes.

Submissions (7):

GeneDx
Classification: Pathogenic. Last evaluated: 2024-10-25. Review status: criteria provided, single submitter. Criteria: GeneDx Variant Classification Process June 2021. Collection method: clinical testing. Allele origin: germline. Affected: yes.
Comment: Nonsense variant predicted to result in protein truncation or nonsense mediated decay in a gene for which loss-of-function is a known mechanism of disease; Not observed at significant frequency in large population cohorts (gnomAD); This variant is associated with the following publications: (PMID: 19309692, 31471117, 27375477, 24801232, Hu2024[Casereport], 29419890, 37569848, 19949035)

Labcorp Genetics (formerly Invitae), Labcorp
Classification: Pathogenic for Bethlem myopathy 1A. Last evaluated: 2024-01-12. Review status: criteria provided, single submitter. Criteria: Invitae Variant Classification Sherloc (09022015). Collection method: clinical testing. Allele origin: germline.
Comment: This sequence change creates a premature translational stop signal (p.Arg366*) in the COL6A2 gene. It is expected to result in an absent or disrupted protein product. Loss-of-function variants in COL6A2 are known to be pathogenic (PMID: 19884007, 20976770). The frequency data for this variant in the population databases is considered unreliable, as metrics indicate poor data quality at this position in the gnomAD database. This premature translational stop signal has been observed in individuals with autosomal recessive COL6A2-related muscular dystrophy (PMID: 19309692, 19949035, 24801232, 29419890). ClinVar contains an entry for this variant (Variation ID: 29643). For these reasons, this variant has been classified as Pathogenic.

Revvity Omics, Revvity
Classification: Pathogenic. Last evaluated: 2022-01-03. Review status: criteria provided, single submitter. Criteria: ACMG Guidelines, 2015. Collection method: clinical testing. Allele origin: germline.

Mendelics
Classification: Pathogenic for Bethlem myopathy 1A. Last evaluated: 2019-05-28. Review status: criteria provided, single submitter. Criteria: Mendelics Assertion Criteria 2017. Collection method: clinical testing. Allele origin: unknown.

Eurofins Ntd Llc (ga)
Classification: Pathogenic. Last evaluated: 2017-11-29. Review status: criteria provided, single submitter. Criteria: EGL Classification Definitions 2015. Collection method: clinical testing. Allele origin: germline. Observed: 3 variant alleles, 3 heterozygotes.

OMIM
Classification: Pathogenic for BETHLEM MYOPATHY 1B, AUTOSOMAL RECESSIVE. Last evaluated: 2009-12-01. Review status: no assertion criteria provided. Collection method: literature only. Allele origin: germline. Not counted in ClinVar's aggregate classification.

Dr. Peter K. Rogan Lab, Western University
No classification provided (evidence only). Condition: Uterine corpus endometrial carcinoma. Review status: no classification provided. Collection method: in vitro. Allele origin: not applicable. Functional consequence: retained intron. Not counted in ClinVar's aggregate classification.

Literature cited by the submitters: PubMed 19884007 (cited by Labcorp Genetics (formerly Invitae), Labcorp); PubMed 20976770 (cited by Labcorp Genetics (formerly Invitae), Labcorp); PubMed 19309692 (cited by Labcorp Genetics (formerly Invitae), Labcorp and Eurofins Ntd Llc (ga)); PubMed 19949035 (cited by 3 submitters); PubMed 24801232 (cited by Labcorp Genetics (formerly Invitae), Labcorp); PubMed 29419890 (cited by Labcorp Genetics (formerly Invitae), Labcorp).

NM_001849.4(COL6A2):c.1096C>T (p.Arg366Ter)

Gene: COL6A2 (collagen type VI alpha 2 chain; plus strand). Cytogenetic location: 21q22.3.
Variant type: single nucleotide variant.
Coding change: c.1096C>T on transcript NM_001849.4 (MANE Select); coding-DNA position 1096, C replaced by T.
Protein change: p.Arg366Ter; replaces arginine 366 with a stop codon.
Molecular consequence: nonsense.
Genome position (GRCh38, 1-based): chr21:46,117,916, C>T. VCF-style: chr21-46117916-C-T. GRCh37 (hg19) VCF-style: chr21-47537830-C-T.
Other names: c.1096C>T, p.Arg366Ter (NM_058174.3, NM_058175.3); short protein forms R366*.
Identifiers: ClinVar variation 29643 (VCV000029643.24), dbSNP rs387906609, ClinGen allele CA128530.